The following is an entry in ClinVar:

NM_014915.3(ANKRD26):c.527A>G (p.Asn176Ser)

Gene: ANKRD26 (ankyrin repeat domain containing 26; minus strand). Cytogenetic location: 10p12.1.
Variant type: single nucleotide variant.
Coding change: c.527A>G on transcript NM_014915.3 (MANE Select); coding-DNA position 527, A replaced by G.
Protein change: p.Asn176Ser; replaces asparagine 176 with serine.
Molecular consequence: missense variant.
Genome position (GRCh38, 1-based): chr10:27,093,353, T>C on the plus strand (A>G on the coding strand, the complement: ANKRD26 is on the minus strand). VCF-style: chr10-27093353-T-C. GRCh37 (hg19) VCF-style: chr10-27382282-T-C.
Other names: c.527A>G, p.Asn176Ser (NM_001256053.2); short protein forms N176S.
Identifiers: ClinVar variation 3915132 (VCV003915132.1).

ClinVar aggregate classification (germline): Uncertain significance (1 of 4 stars; one submission).

Conditions:
Inborn genetic diseases. Identifiers: MedGen C0950123, MeSH D030342.

Submission:

Ambry Genetics
Classification: Uncertain significance for Inborn genetic diseases. Last evaluated: 2025-06-08. Review status: criteria provided, single submitter. Criteria: Ambry Variant Classification Scheme 2023. Collection method: clinical testing. Allele origin: germline.
Comment: The p.N176S variant (also known as c.527A>G), located in coding exon 3 of the ANKRD26 gene, results from an A to G substitution at nucleotide position 527. The asparagine at codon 176 is replaced by serine, an amino acid with highly similar properties. This amino acid position is conserved. In addition, this alteration is predicted to be tolerated by in silico analysis. Based on the available evidence, the clinical significance of this variant remains unclear.